The following is an entry in ClinVar:

NM_015570.4(AUTS2):c.203C>G (p.Ser68Cys)

Gene: AUTS2 (activator of transcription and developmental regulator AUTS2; plus strand). Cytogenetic location: 7q11.22.
Variant type: single nucleotide variant.
Coding change: c.203C>G on transcript NM_015570.4 (MANE Select); coding-DNA position 203, C replaced by G.
Protein change: p.Ser68Cys; replaces serine 68 with cysteine.
Molecular consequence: missense variant.
Genome position (GRCh38, 1-based): chr7:69,599,856, C>G. VCF-style: chr7-69599856-C-G. GRCh37 (hg19) VCF-style: chr7-69064842-C-G.
Other names: c.203C>G (NM_015570.2); c.203C>G, p.Ser68Cys (NM_001127231.3, NM_001127232.3); short protein forms S68C.
Identifiers: ClinVar variation 732270 (VCV000732270.4), dbSNP rs1583913715, ClinGen allele CA367703058.
Genomic context (GRCh38, chr7:69,599,856, plus strand): 5'-TCGCCTCGTCGTCGGGCTCCGACAAGGAAGACAATGGGAAGCCCCCGTCCTCCGCCCCGT[C>G]CCGGCCCAGACCCCCGCGGAGGAAGCGGAGAGAGTCCACCTCGGCAGAAGAGGACATCAT-3'
Protein context (NP_056385.1, residues 58-78): DNGKPPSSAP[Ser68Cys]RPRPPRRKRR

ClinVar aggregate classification (germline): Conflicting classifications of pathogenicity. Review status: criteria provided, conflicting classifications (1 of 4 stars). 2 submissions from 2 submitters: Uncertain significance (1); Likely benign (1). Last evaluated 2024-02-25.

Submissions (2):

GeneDx
Classification: Uncertain significance. Last evaluated: 2024-02-25. Review status: criteria provided, single submitter. Criteria: GeneDx Variant Classification Process June 2021. Collection method: clinical testing. Allele origin: germline. Affected: yes.
Comment: Not observed at significant frequency in large population cohorts (gnomAD); In silico analysis supports that this missense variant does not alter protein structure/function; Has not been previously published as pathogenic or benign to our knowledge

Labcorp Genetics (formerly Invitae), Labcorp
Classification: Likely benign. Last evaluated: 2018-05-08. Review status: criteria provided, single submitter. Criteria: Invitae Variant Classification Sherloc (09022015). Collection method: clinical testing. Allele origin: germline.